The following is an entry in ClinVar:

NM_006389.5(HYOU1):c.425T>C (p.Leu142Pro)

Gene: HYOU1 (hypoxia up-regulated 1; minus strand). Cytogenetic location: 11q23.3.
Variant type: single nucleotide variant.
Coding change: c.425T>C on transcript NM_006389.5 (MANE Select); coding-DNA position 425, T replaced by C.
Protein change: p.Leu142Pro; replaces leucine 142 with proline.
Molecular consequence: missense variant.
Genome position (GRCh38, 1-based): chr11:119,055,055, A>G on the plus strand (T>C on the coding strand, the complement: HYOU1 is on the minus strand). VCF-style: chr11-119055055-A-G. GRCh37 (hg19) VCF-style: chr11-118925767-A-G.
Other names: c.425T>C, p.Leu142Pro (NM_001130991.3, NM_001411041.1); short protein forms L142P.
Identifiers: ClinVar variation 2414473 (VCV002414473.6), dbSNP rs1003036541, ClinGen allele CA229648509.

ClinVar aggregate classification (germline): Uncertain significance (1 of 4 stars; one submission).

Allele frequency attached by ClinVar (database versions not stated): gnomAD exomes below 0.00001; gnomAD 0.00004; TOPMed 0.00007.
gnomAD v4.1: 9 of 1,614,014 alleles (0.00056%); highest among the groups gnomAD compares: African/African-American, 0.008%; no homozygotes.

Submission:

Labcorp Genetics (formerly Invitae), Labcorp
Classification: Uncertain significance. Last evaluated: 2025-04-14. Review status: criteria provided, single submitter. Criteria: Invitae Variant Classification Sherloc (09022015). Collection method: clinical testing. Allele origin: germline.
Comment: This sequence change replaces leucine, which is neutral and non-polar, with proline, which is neutral and non-polar, at codon 142 of the HYOU1 protein (p.Leu142Pro). This variant is present in population databases (no rsID available, gnomAD 0.03%). This variant has not been reported in the literature in individuals affected with HYOU1-related conditions. ClinVar contains an entry for this variant (Variation ID: 2414473). An algorithm developed to predict the effect of missense changes on protein structure and function (PolyPhen-2) suggests that this variant is likely to be disruptive. In summary, the available evidence is currently insufficient to determine the role of this variant in disease. Therefore, it has been classified as a Variant of Uncertain Significance.